The following is an entry in ClinVar:

ClinVar aggregate classification (germline): Pathogenic (1 of 4 stars; one submission).

Allele frequency attached by ClinVar (database versions not stated): gnomAD exomes below 0.00001.
gnomAD v4.1: 1 of 1,610,918 alleles (0.000062%); highest among the groups gnomAD compares: South Asian, 0.0011%; no homozygotes.

Submission:

Labcorp Genetics (formerly Invitae), Labcorp
Classification: Pathogenic. Last evaluated: 2022-02-23. Review status: criteria provided, single submitter. Criteria: Invitae Variant Classification Sherloc (09022015). Collection method: clinical testing. Allele origin: germline.
Comment: For these reasons, this variant has been classified as Pathogenic. This variant has not been reported in the literature in individuals affected with PCDH15-related conditions. This variant is not present in population databases (gnomAD no frequency). This sequence change creates a premature translational stop signal (p.Gln4*) in the PCDH15 gene. It is expected to result in an absent or disrupted protein product. Loss-of-function variants in PCDH15 are known to be pathogenic (PMID: 11398101, 11487575, 14570705).

Literature cited by the submitters: PubMed 11398101; PubMed 11487575; PubMed 14570705.

NM_001384140.1(PCDH15):c.10C>T (p.Gln4Ter)

Gene: PCDH15 (protocadherin related 15; minus strand). Cytogenetic location: 10q21.1.
Variant type: single nucleotide variant.
Coding change: c.10C>T on transcript NM_001384140.1 (MANE Select); coding-DNA position 10, C replaced by T.
Protein change: p.Gln4Ter; replaces glutamine 4 with a stop codon.
Molecular consequence: nonsense.
Genome position (GRCh38, 1-based): chr10:54,664,253, G>A on the plus strand (C>T on the coding strand, the complement: PCDH15 is on the minus strand). VCF-style: chr10-54664253-G-A. GRCh37 (hg19) VCF-style: chr10-56424013-G-A.
Other names: c.10C>T, p.Gln4Ter (NM_001142766.2, NM_001142767.2, NM_001142768.2 and 14 more transcripts); short protein forms Q4*.
Identifiers: ClinVar variation 2102371 (VCV002102371.4), dbSNP rs2549545770, ClinGen allele CA376542034.